The following is an entry in ClinVar:

NM_004984.4(KIF5A):c.2037A>C (p.Glu679Asp)

Gene: KIF5A (kinesin family member 5A; plus strand). Cytogenetic location: 12q13.3.
Variant type: single nucleotide variant.
Coding change: c.2037A>C on transcript NM_004984.4 (MANE Select); coding-DNA position 2037, A replaced by C.
Protein change: p.Glu679Asp; replaces glutamic acid 679 with aspartic acid.
Molecular consequence: missense variant.
Genome position (GRCh38, 1-based): chr12:57,576,100, A>C. VCF-style: chr12-57576100-A-C. GRCh37 (hg19) VCF-style: chr12-57969883-A-C.
Other names: c.1770A>C, p.Glu590Asp (NM_001354705.2); short protein forms E590D, E679D.
Identifiers: ClinVar variation 3670907 (VCV003670907.1).

ClinVar aggregate classification (germline): Uncertain significance (1 of 4 stars; one submission).

Conditions:
Spastic paraplegia. Identifiers: MedGen C0037772, HP:0001258.

gnomAD v4.1: 8 of 1,614,034 alleles (0.0005%); highest among the groups gnomAD compares: Non-Finnish European, 0.00068%; no homozygotes.

Submission:

Labcorp Genetics (formerly Invitae), Labcorp
Classification: Uncertain significance for Spastic paraplegia. Last evaluated: 2024-02-25. Review status: criteria provided, single submitter. Criteria: Invitae Variant Classification Sherloc (09022015). Collection method: clinical testing. Allele origin: germline.
Comment: This sequence change replaces glutamic acid, which is acidic and polar, with aspartic acid, which is acidic and polar, at codon 679 of the KIF5A protein (p.Glu679Asp). This variant is present in population databases (no rsID available, gnomAD 0.0009%). This variant has not been reported in the literature in individuals affected with KIF5A-related conditions. Advanced modeling of protein sequence and biophysical properties (such as structural, functional, and spatial information, amino acid conservation, physicochemical variation, residue mobility, and thermodynamic stability) performed at Invitae indicates that this missense variant is not expected to disrupt KIF5A protein function with a negative predictive value of 95%. In summary, the available evidence is currently insufficient to determine the role of this variant in disease. Therefore, it has been classified as a Variant of Uncertain Significance.